The following is an entry in ClinVar:

NM_000489.6(ATRX):c.2942A>G (p.Asp981Gly)

Gene: ATRX (ATRX chromatin remodeler; minus strand). Cytogenetic location: Xq21.1.
Variant type: single nucleotide variant.
Coding change: c.2942A>G on transcript NM_000489.6 (MANE Select); coding-DNA position 2942, A replaced by G.
Protein change: p.Asp981Gly; replaces aspartic acid 981 with glycine.
Molecular consequence: missense variant.
Genome position (GRCh38, 1-based): chrX:77,682,314, T>C on the plus strand (A>G on the coding strand, the complement: ATRX is on the minus strand). VCF-style: chrX-77682314-T-C. GRCh37 (hg19) VCF-style: chrX-76937806-T-C.
Other names: c.2828A>G, p.Asp943Gly (NM_138270.5); short protein forms D943G, D981G.
Identifiers: ClinVar variation 1039374 (VCV001039374.9), dbSNP rs2071258052, ClinGen allele CA413709379.
Genomic context (GRCh38, chrX:77,682,314, plus strand): 5'-TTTTTCTTAAAGTCTGAAGGTTTCTTTTTTTCTTCAGTTCCCTTTTTGCTCTGCTTTTTA[T>C]CATCTTCAGAAGTTTCATCGCTCTGGTCTTTCTTTAGGAATTTCTCTGCAATATCAGATA-3'
Protein context (NP_000480.3, residues 971-991): KDQSDETSED[Asp981Gly]KKQSKKGTEE

ClinVar aggregate classification (germline): Uncertain significance (1 of 4 stars; one submission).

Conditions:
Alpha thalassemia-X-linked intellectual disability syndrome (ATRX). Also called: ALPHA-THALASSEMIA/MENTAL RETARDATION SYNDROME, X-LINKED; ATR, NONDELETION TYPE; ATR-X syndrome; Alpha thalassemia mental retardation syndrome, nondeletion type, X-linked; XLMR hypotonic face syndrome; X-linked alpha-thalassemia-mental retardation syndrome. Identifiers: Orphanet 847, MedGen C1845055, MONDO:0010519, OMIM 301040.

Submission:

Labcorp Genetics (formerly Invitae), Labcorp
Classification: Uncertain significance for Alpha thalassemia-X-linked intellectual disability syndrome. Last evaluated: 2020-03-10. Review status: criteria provided, single submitter. Criteria: Invitae Variant Classification Sherloc (09022015). Collection method: clinical testing. Allele origin: germline.
Comment: In summary, the available evidence is currently insufficient to determine the role of this variant in disease. Therefore, it has been classified as a Variant of Uncertain Significance. Algorithms developed to predict the effect of sequence changes on RNA splicing suggest that this variant may create or strengthen a splice site, but this prediction has not been confirmed by published transcriptional studies. Algorithms developed to predict the effect of missense changes on protein structure and function (SIFT, PolyPhen-2, Align-GVGD) all suggest that this variant is likely to be tolerated, but these predictions have not been confirmed by published functional studies and their clinical significance is uncertain. This variant has not been reported in the literature in individuals with ATRX-related conditions. This variant is not present in population databases (ExAC no frequency). This sequence change replaces aspartic acid with glycine at codon 981 of the ATRX protein (p.Asp981Gly). The aspartic acid residue is weakly conserved and there is a moderate physicochemical difference between aspartic acid and glycine.